The following is an entry in ClinVar:

NM_000548.5(TSC2):c.5078G>A (p.Gly1693Asp)

Gene: TSC2 (TSC complex subunit 2; plus strand). Cytogenetic location: 16p13.3.
Variant type: single nucleotide variant.
Coding change: c.5078G>A on transcript NM_000548.5 (MANE Select); coding-DNA position 5078, G replaced by A.
Protein change: p.Gly1693Asp; replaces glycine 1693 with aspartic acid.
Molecular consequence: missense variant.
Genome position (GRCh38, 1-based): chr16:2,088,057, G>A. VCF-style: chr16-2088057-G-A. GRCh37 (hg19) VCF-style: chr16-2138058-G-A.
Other names: c.4868G>A, p.Gly1623Asp (NM_001406671.1); c.4865G>A, p.Gly1622Asp (NM_001406673.1); c.4862G>A, p.Gly1621Asp (NM_001406675.1); c.4418G>A, p.Gly1473Asp (NM_001406681.1); c.4409G>A, p.Gly1470Asp (NM_001406682.1, NM_001406683.1); c.4859G>A, p.Gly1620Asp (NM_001406676.1); c.4820G>A, p.Gly1607Asp (NM_001406677.1); c.4766G>A, p.Gly1589Asp (NM_001406678.1); and 26 more; short protein forms G1590D, G1607D, G1622D, G1623D, G1649D, G1692D, G1178D, G1201D.
Identifiers: ClinVar variation 1745188 (VCV001745188.5), dbSNP rs2091088393, ClinGen allele CA394311984.

ClinVar aggregate classification (germline): Uncertain significance. Review status: criteria provided, multiple submitters, no conflicts (2 of 4 stars). 2 submissions from 2 submitters: Uncertain significance (2). Last evaluated 2025-04-27.

Conditions:
Hereditary cancer-predisposing syndrome. Also called: Neoplastic Syndromes, Hereditary; Tumor predisposition; Hereditary Cancer Syndrome; Hereditary neoplastic syndrome. Identifiers: Orphanet 140162, MedGen C0027672, MeSH D009386, MONDO:0015356.
Tuberous sclerosis 2 (TSC2). Identifiers: Orphanet 805, MedGen C1860707, MONDO:0013199, OMIM 613254.

Allele frequency attached by ClinVar (database versions not stated): gnomAD exomes below 0.00001; TOPMed below 0.00001; gnomAD 0.00001.
gnomAD v4.1: 3 of 1,612,726 alleles (0.00019%); highest among the groups gnomAD compares: Non-Finnish European, 0.00025%; no homozygotes.

Submissions (2):

Labcorp Genetics (formerly Invitae), Labcorp
Classification: Uncertain significance for Tuberous sclerosis 2. Last evaluated: 2025-04-27. Review status: criteria provided, single submitter. Criteria: Invitae Variant Classification Sherloc (09022015). Collection method: clinical testing. Allele origin: germline.
Comment: This sequence change replaces glycine, which is neutral and non-polar, with aspartic acid, which is acidic and polar, at codon 1693 of the TSC2 protein (p.Gly1693Asp). This variant is not present in population databases (gnomAD no frequency). This variant has not been reported in the literature in individuals affected with TSC2-related conditions. ClinVar contains an entry for this variant (Variation ID: 1745188). Invitae Evidence Modeling of protein sequence and biophysical properties (such as structural, functional, and spatial information, amino acid conservation, physicochemical variation, residue mobility, and thermodynamic stability) indicates that this missense variant is not expected to disrupt TSC2 protein function with a negative predictive value of 95%. In summary, the available evidence is currently insufficient to determine the role of this variant in disease. Therefore, it has been classified as a Variant of Uncertain Significance.

Ambry Genetics
Classification: Uncertain significance for Hereditary cancer-predisposing syndrome. Last evaluated: 2022-04-08. Review status: criteria provided, single submitter. Criteria: Ambry Variant Classification Scheme 2023. Collection method: clinical testing. Allele origin: germline.
Comment: The p.G1693D variant (also known as c.5078G>A), located in coding exon 39 of the TSC2 gene, results from a G to A substitution at nucleotide position 5078. The glycine at codon 1693 is replaced by aspartic acid, an amino acid with similar properties. This amino acid position is conserved. In addition, this alteration is predicted to be deleterious by in silico analysis. Since supporting evidence is limited at this time, the clinical significance of this alteration remains unclear.